The following is an entry in ClinVar:

ClinVar aggregate classification (germline): Uncertain significance. Review status: criteria provided, multiple submitters, no conflicts (2 of 4 stars). 2 submissions from 2 submitters: Uncertain significance (2). Last evaluated 2025-07-22.

Allele frequency attached by ClinVar (database versions not stated): ExAC 0.00001; gnomAD 0.00001; gnomAD exomes 0.00001; TOPMed 0.00002.
gnomAD v4.1: 8 of 1,613,330 alleles (0.0005%); highest among the groups gnomAD compares: African/African-American, 0.004%; no homozygotes.

Submissions (2):

GeneDx
Classification: Uncertain significance. Last evaluated: 2025-07-22. Review status: criteria provided, single submitter. Criteria: GeneDx Variant Classification Process June 2021. Collection method: clinical testing. Allele origin: germline. Affected: yes.
Comment: Reported in a case with type 2 diabetes, but also seen in a control and detailed clinical information and segregation information were not provided (PMID: 25157153); In silico analysis supports that this missense variant has a deleterious effect on protein structure/function; This variant is associated with the following publications: (PMID: 25157153, 36325899)

Labcorp Genetics (formerly Invitae), Labcorp
Classification: Uncertain significance. Last evaluated: 2022-11-11. Review status: criteria provided, single submitter. Criteria: Invitae Variant Classification Sherloc (09022015). Collection method: clinical testing. Allele origin: germline.
Comment: This missense change has been observed in individual(s) with PPARG-related conditions (PMID: 25157153). In summary, the available evidence is currently insufficient to determine the role of this variant in disease. Therefore, it has been classified as a Variant of Uncertain Significance. Experimental studies are conflicting or provide insufficient evidence to determine the effect of this variant on PPARG function (PMID: 25157153). Advanced modeling of protein sequence and biophysical properties (such as structural, functional, and spatial information, amino acid conservation, physicochemical variation, residue mobility, and thermodynamic stability) performed at Invitae indicates that this missense variant is not expected to disrupt PPARG protein function. This variant is present in population databases (rs773089349, gnomAD 0.007%). This sequence change replaces arginine, which is basic and polar, with histidine, which is basic and polar, at codon 140 of the PPARG protein (p.Arg140His).

Literature cited by the submitters: PubMed 25157153 (cited by Labcorp Genetics (formerly Invitae), Labcorp).

NM_138711.6(PPARG):c.329G>A (p.Arg110His)

Gene: PPARG (peroxisome proliferator activated receptor gamma; plus strand). Cytogenetic location: 3p25.2.
Variant type: single nucleotide variant.
Coding change: c.329G>A on transcript NM_138711.6 (MANE Select); coding-DNA position 329, G replaced by A.
Protein change: p.Arg110His; replaces arginine 110 with histidine.
Molecular consequence: missense variant. On other transcripts: 5 prime UTR variant (1).
Genome position (GRCh38, 1-based): chr3:12,381,430, G>A. VCF-style: chr3-12381430-G-A. GRCh37 (hg19) VCF-style: chr3-12422929-G-A.
Other names: c.419G>A (NM_015869.4); c.329G>A, p.Arg110His (NM_001330615.4, NM_001354666.3, NM_001354667.3 and 6 more transcripts); c.419G>A, p.Arg140His (NM_001354668.2, NM_001374265.1, NM_015869.5); c.-99G>A (NM_001354669.2); c.335G>A, p.Arg112His (NM_001354670.2, NM_001374266.1); short protein forms R112H, R110H, R140H.
Identifiers: ClinVar variation 2734442 (VCV002734442.4), dbSNP rs773089349, ClinGen allele CA2258156.
Genomic context (GRCh38, chr3:12,381,430, plus strand): 5'-CTCAGCTCTACAATAAGCCTCATGAAGAGCCTTCCAACTCCCTCATGGCAATTGAATGTC[G>A]TGTCTGTGGAGATAAAGCTTCTGGATTTCACTATGGAGTTCATGCTTGTGAAGGATGCAA-3'
Protein context (NP_619725.3, residues 100-120): PSNSLMAIEC[Arg110His]VCGDKASGFH